The following is an entry in ClinVar:

ClinVar aggregate classification (germline): Uncertain significance (1 of 4 stars; one submission).

Conditions:
RASopathy. Also called: rasopathies; Noonan spectrum disorder. Identifiers: Orphanet 536391, MedGen C5555857, MONDO:0021060.

Submission:

Labcorp Genetics (formerly Invitae), Labcorp
Classification: Uncertain significance for RASopathy. Last evaluated: 2025-10-20. Review status: criteria provided, single submitter. Criteria: Invitae Variant Classification Sherloc (09022015). Collection method: clinical testing. Allele origin: germline.
Comment: This sequence change replaces glycine, which is neutral and non-polar, with glutamic acid, which is acidic and polar, at codon 306 of the CBL protein (p.Gly306Glu). This variant is not present in population databases (gnomAD no frequency). This variant has not been reported in the literature in individuals affected with CBL-related conditions. Invitae Evidence Modeling of protein sequence and biophysical properties (such as structural, functional, and spatial information, amino acid conservation, physicochemical variation, residue mobility, and thermodynamic stability) indicates that this missense variant is expected to disrupt CBL protein function with a positive predictive value of 95%. Experimental studies have shown that this missense change affects CBL function (PMID: 9174060, 9234717, 10684856, 11149930). In summary, the available evidence is currently insufficient to determine the role of this variant in disease. Therefore, it has been classified as a Variant of Uncertain Significance.

Literature cited by the submitters: PubMed 9174060; PubMed 9234717; PubMed 10684856; PubMed 11149930.

NM_005188.4(CBL):c.917G>A (p.Gly306Glu)

Gene: CBL (Cbl proto-oncogene; plus strand). Cytogenetic location: 11q23.3.
Variant type: single nucleotide variant.
Coding change: c.917G>A on transcript NM_005188.4 (MANE Select); coding-DNA position 917, G replaced by A.
Protein change: p.Gly306Glu; replaces glycine 306 with glutamic acid.
Molecular consequence: missense variant.
Genome position (GRCh38, 1-based): chr11:119,276,044, G>A. VCF-style: chr11-119276044-G-A. GRCh37 (hg19) VCF-style: chr11-119146754-G-A.
Other names: short protein forms G306E.
Identifiers: ClinVar variation 4800606 (VCV004800606.1).
Genomic context (GRCh38, chr11:119,276,044, plus strand): 5'-TGTCTGTTCATAGTTATATCTTCCGGCTGAGCTGTACTCGTCTGGGTCAGTGGGCTATTG[G>A]GTATGTTACTGCTGATGGGAACATTCTCCAGACAATCCCTCACAATAAACCTCTCTTCCA-3'
Protein context (NP_005179.2, residues 296-316): SCTRLGQWAI[Gly306Glu]YVTADGNILQ